The following is an entry in ClinVar:

ClinVar aggregate classification (germline): Conflicting classifications of pathogenicity. Review status: criteria provided, conflicting classifications (1 of 4 stars). 2 submissions from 2 submitters: Uncertain significance (1); Likely benign (1). Last evaluated 2025-02-20.

Conditions:
Inborn genetic diseases. Identifiers: MedGen C0950123, MeSH D030342.

gnomAD v4.1: 11 of 1,613,390 alleles (0.00068%); highest among the groups gnomAD compares: Admixed American, 0.0083%; no homozygotes.

Submissions (2):

Ambry Genetics
Classification: Uncertain significance for Inborn genetic diseases. Last evaluated: 2025-02-20. Review status: criteria provided, single submitter. Criteria: Ambry Variant Classification Scheme 2023. Collection method: clinical testing. Allele origin: germline.

CeGaT Center for Human Genetics Tuebingen
Classification: Likely benign. Last evaluated: 2024-12-01. Review status: criteria provided, single submitter. Criteria: CeGaT Center For Human Genetics Tuebingen Variant Classification Criteria Version 2. Collection method: clinical testing. Allele origin: germline. Affected: yes. Observed: 1 variant allele.
Comment: CUX2: BP4

NM_015267.4(CUX2):c.4312A>C (p.Thr1438Pro)

Gene: CUX2 (cut like homeobox 2; plus strand). Cytogenetic location: 12q24.12.
Variant type: single nucleotide variant.
Coding change: c.4312A>C on transcript NM_015267.4 (MANE Select); coding-DNA position 4312, A replaced by C.
Protein change: p.Thr1438Pro; replaces threonine 1438 with proline.
Molecular consequence: missense variant.
Genome position (GRCh38, 1-based): chr12:111,348,176, A>C. VCF-style: chr12-111348176-A-C. GRCh37 (hg19) VCF-style: chr12-111785980-A-C.
Other names: c.4126A>C, p.Thr1376Pro (NM_001370598.1); c.4312A>C (NM_015267.3); short protein forms T1376P, T1438P.
Identifiers: ClinVar variation 3770449 (VCV003770449.14).
Genomic context (GRCh38, chr12:111,348,176, plus strand): 5'-GCTCCCATCTCCCCATCCCCACCTGGCGCCCCCCCTGCCAAAGTGCCGAGTGCCAGCCCC[A>C]CTGCTGACATGGCTGGAGCCTTGCACCCCAGTGCCAAGGTGAACCCCAACTTGCAGCGGC-3'
Protein context (NP_056082.2, residues 1428-1448): PPAKVPSASP[Thr1438Pro]ADMAGALHPS